The following is an entry in ClinVar:

NM_002336.3(LRP6):c.2231G>C (p.Trp744Ser)

Gene: LRP6 (LDL receptor related protein 6; minus strand). Cytogenetic location: 12p13.2.
Variant type: single nucleotide variant.
Coding change: c.2231G>C on transcript NM_002336.3 (MANE Select); coding-DNA position 2231, G replaced by C.
Protein change: p.Trp744Ser; replaces tryptophan 744 with serine.
Molecular consequence: missense variant.
Genome position (GRCh38, 1-based): chr12:12,162,241, C>G on the plus strand (G>C on the coding strand, the complement: LRP6 is on the minus strand). VCF-style: chr12-12162241-C-G. GRCh37 (hg19) VCF-style: chr12-12315175-C-G.
Other names: short protein forms W744S.
Identifiers: ClinVar variation 1369078 (VCV001369078.8), dbSNP rs2136945298, ClinGen allele CA383945336.

ClinVar aggregate classification (germline): Uncertain significance (1 of 4 stars; one submission).

Submission:

Labcorp Genetics (formerly Invitae), Labcorp
Classification: Uncertain significance. Last evaluated: 2021-07-21. Review status: criteria provided, single submitter. Criteria: Invitae Variant Classification Sherloc (09022015). Collection method: clinical testing. Allele origin: germline.
Comment: This variant is not present in population databases (ExAC no frequency). This sequence change replaces tryptophan with serine at codon 744 of the LRP6 protein (p.Trp744Ser). The tryptophan residue is highly conserved and there is a large physicochemical difference between tryptophan and serine. This variant has not been reported in the literature in individuals affected with LRP6-related conditions. Algorithms developed to predict the effect of missense changes on protein structure and function (SIFT, PolyPhen-2, Align-GVGD) all suggest that this variant is likely to be disruptive. In summary, the available evidence is currently insufficient to determine the role of this variant in disease. Therefore, it has been classified as a Variant of Uncertain Significance.